The following is an entry in ClinVar:

NM_001159699.2(FHL1):c.549+4T>C

Gene: FHL1 (four and a half LIM domains 1; plus strand). Cytogenetic location: Xq26.3.
Variant type: single nucleotide variant.
Coding change: c.549+4T>C on transcript NM_001159699.2 (MANE Select); 4 bases into the intron after coding-DNA position 549, T replaced by C.
Molecular consequence: intron variant.
Genome position (GRCh38, 1-based): chrX:136,207,965, T>C. VCF-style: chrX-136207965-T-C. GRCh37 (hg19) VCF-style: chrX-135290124-T-C.
Other names: c.501+4T>C (NM_001159702.3, NM_001449.5, NM_001159703.2 and 9 more transcripts); c.588+4T>C (NM_001159701.2); c.549+4T>C (NM_001330659.2).
Identifiers: ClinVar variation 2063853 (VCV002063853.5), dbSNP rs2521288638, ClinGen allele CA2510606559.

ClinVar aggregate classification (germline): Uncertain significance. Review status: criteria provided, multiple submitters, no conflicts (2 of 4 stars). 2 submissions from 2 submitters: Uncertain significance (2). Last evaluated 2025-01-29.

Conditions:
X-linked myopathy with postural muscle atrophy. Also called: FHL1-Related Emery-Dreifuss Muscular Dystrophy, X-Linked. Identifiers: Orphanet 178461, MedGen C2678055, MONDO:0010401, OMIM 300696.

gnomAD v4.1: 6 of 1,212,219 alleles (0.00049%); highest among the groups gnomAD compares: Middle Eastern, 0.023%; no homozygotes.

Submissions (2):

ARUP Laboratories, Molecular Genetics and Genomics, ARUP Laboratories
Classification: Uncertain significance. Last evaluated: 2025-01-29. Review status: criteria provided, single submitter. Criteria: ARUP Molecular Germline Variant Investigation Process 2024. Collection method: clinical testing. Allele origin: germline.
Comment: The FHL1 c.501+4T>C variant, to our knowledge, is not reported in the medical literature but is reported in ClinVar (Variation ID: 2063853). This variant is absent from the Genome Aggregation Database (v2.1.1), indicating it is not a common polymorphism. This is an intronic variant in a weakly conserved nucleotide, and computational analyses (Alamut Visual Plus v.1.11) predict that this variant does not alter splicing. Given the lack of clinical and functional data, the significance of this variant is uncertain at this time.

Labcorp Genetics (formerly Invitae), Labcorp
Classification: Uncertain significance for X-linked myopathy with postural muscle atrophy. Last evaluated: 2023-03-02. Review status: criteria provided, single submitter. Criteria: Invitae Variant Classification Sherloc (09022015). Collection method: clinical testing. Allele origin: germline.
Comment: In summary, the available evidence is currently insufficient to determine the role of this variant in disease. Therefore, it has been classified as a Variant of Uncertain Significance. Variants that disrupt the consensus splice site are a relatively common cause of aberrant splicing (PMID: 17576681, 9536098). Algorithms developed to predict the effect of sequence changes on RNA splicing suggest that this variant is not likely to affect RNA splicing. ClinVar contains an entry for this variant (Variation ID: 2063853). This variant has not been reported in the literature in individuals affected with FHL1-related conditions. This variant is not present in population databases (gnomAD no frequency). This sequence change falls in intron 5 of the FHL1 gene. It does not directly change the encoded amino acid sequence of the FHL1 protein. It affects a nucleotide within the consensus splice site.

Literature cited by the submitters: PubMed 17576681 (cited by Labcorp Genetics (formerly Invitae), Labcorp); PubMed 9536098 (cited by Labcorp Genetics (formerly Invitae), Labcorp).